The following is an entry in ClinVar:

ClinVar aggregate classification (germline): Uncertain significance (1 of 4 stars; one submission).

Conditions:
BRCA1-related cancer predisposition. Identifiers: MedGen CN377757, MONDO:0700268.

Submission:

All of Us Research Program, National Institutes of Health
Classification: Uncertain significance for BRCA1-related cancer predisposition. Last evaluated: 2024-05-14. Review status: criteria provided, single submitter. Criteria: ACMG Guidelines, 2015. Collection method: clinical testing. Allele origin: germline. Inheritance: Autosomal dominant inheritance. Observed: 1 variant allele, 1 heterozygote.
Comment: This missense variant replaces glutamic acid with valine at codon 1541 of the BRCA1 protein. Computational prediction is inconclusive regarding the impact of this variant on protein structure and function. To our knowledge, functional studies have not been reported for this variant. This variant has not been reported in individuals affected with BRCA1-related disorders in the literature. This variant has not been identified in the general population by the Genome Aggregation Database (gnomAD). The available evidence is insufficient to determine the role of this variant in disease conclusively. Therefore, this variant is classified as a Variant of Uncertain Significance.

This study involves interpretation of variants in research participants for the purpose of population health screening. Participant phenotype was not available at the time of variant classification. Additional details can be found in publication PMID: 35346344, PMCID: PMC8962531

NM_007294.4(BRCA1):c.4622A>T (p.Glu1541Val)

Gene: BRCA1 (BRCA1 DNA repair associated; minus strand). Cytogenetic location: 17q21.31.
Variant type: single nucleotide variant.
Coding change: c.4622A>T on transcript NM_007294.4 (MANE Select); coding-DNA position 4622, A replaced by T.
Protein change: p.Glu1541Val; replaces glutamic acid 1541 with valine.
Molecular consequence: missense variant. On other transcripts: intron variant (3).
Genome position (GRCh38, 1-based): chr17:43,074,384, T>A on the plus strand (A>T on the coding strand, the complement: BRCA1 is on the minus strand). VCF-style: chr17-43074384-T-A. GRCh37 (hg19) VCF-style: chr17-41226401-T-A.
Other names: c.1184A>T, p.Glu395Val (NM_001408448.1, NM_001408450.1, NM_001408445.1 and 2 more transcripts); c.1178A>T, p.Glu393Val (NM_001408451.1); c.1172A>T, p.Glu391Val (NM_001408452.1, NM_001408453.1, NM_001408454.1 and 3 more transcripts); c.1169A>T, p.Glu390Val (NM_001408458.1, NM_001408459.1, NM_001408460.1 and 7 more transcripts); c.1166A>T, p.Glu389Val (NM_001408468.1, NM_001408469.1, NM_001408470.1); c.1310A>T, p.Glu437Val (NM_001408472.1, NM_007298.4, NM_007299.4 and 12 more transcripts); c.1307A>T, p.Glu436Val (NM_001408473.1, NM_001408392.1, NM_001408396.1 and 8 more transcripts); c.1112A>T, p.Glu371Val (NM_001408474.1); and 71 more; short protein forms E1244V, E1245V, E1372V, E1412V, E1413V, E1414V, E1428V, E1429V.
Identifiers: ClinVar variation 3386157 (VCV003386157.1).